The following is an entry in ClinVar:

NM_182943.3(PLOD2):c.1025A>G (p.Asp342Gly)

Gene: PLOD2 (procollagen-lysine,2-oxoglutarate 5-dioxygenase 2; minus strand). Cytogenetic location: 3q24.
Variant type: single nucleotide variant.
Coding change: c.1025A>G on transcript NM_182943.3 (MANE Select); coding-DNA position 1025, A replaced by G.
Protein change: p.Asp342Gly; replaces aspartic acid 342 with glycine.
Molecular consequence: missense variant.
Genome position (GRCh38, 1-based): chr3:146,086,889, T>C on the plus strand (A>G on the coding strand, the complement: PLOD2 is on the minus strand). VCF-style: chr3-146086889-T-C. GRCh37 (hg19) VCF-style: chr3-145804676-T-C.
Other names: c.1025A>G, p.Asp342Gly (NM_000935.3); short protein forms D342G.
Identifiers: ClinVar variation 1379914 (VCV001379914.6), dbSNP rs2108020712, ClinGen allele CA354891848.

ClinVar aggregate classification (germline): Uncertain significance (1 of 4 stars; one submission).

Submission:

Labcorp Genetics (formerly Invitae), Labcorp
Classification: Uncertain significance. Last evaluated: 2024-03-11. Review status: criteria provided, single submitter. Criteria: Invitae Variant Classification Sherloc (09022015). Collection method: clinical testing. Allele origin: germline.
Comment: This sequence change replaces aspartic acid, which is acidic and polar, with glycine, which is neutral and non-polar, at codon 342 of the PLOD2 protein (p.Asp342Gly). This variant is not present in population databases (gnomAD no frequency). This variant has not been reported in the literature in individuals affected with PLOD2-related conditions. ClinVar contains an entry for this variant (Variation ID: 1379914). An algorithm developed to predict the effect of missense changes on protein structure and function (PolyPhen-2) suggests that this variant is likely to be tolerated. In summary, the available evidence is currently insufficient to determine the role of this variant in disease. Therefore, it has been classified as a Variant of Uncertain Significance.